The following is an entry in ClinVar:

ClinVar aggregate classification (germline): Uncertain significance (1 of 4 stars; one submission).

Submission:

CeGaT Center for Human Genetics Tuebingen
Classification: Uncertain significance. Last evaluated: 2023-05-01. Review status: criteria provided, single submitter. Criteria: CeGaT Center For Human Genetics Tuebingen Variant Classification Criteria Version 2. Collection method: clinical testing. Allele origin: germline. Affected: yes. Observed: 1 variant allele.
Comment: SHANK1: PM2, PP2, PS2:Supporting, BP4

NM_016148.5(SHANK1):c.428A>C (p.Gln143Pro)

Gene: SHANK1 (SH3 and multiple ankyrin repeat domains 1; minus strand). Cytogenetic location: 19q13.33.
Variant type: single nucleotide variant.
Coding change: c.428A>C on transcript NM_016148.5 (MANE Select); coding-DNA position 428, A replaced by C.
Protein change: p.Gln143Pro; replaces glutamine 143 with proline.
Molecular consequence: missense variant.
Genome position (GRCh38, 1-based): chr19:50,716,306, T>G on the plus strand (A>C on the coding strand, the complement: SHANK1 is on the minus strand). VCF-style: chr19-50716306-T-G. GRCh37 (hg19) VCF-style: chr19-51219563-T-G.
Other names: short protein forms Q143P.
Identifiers: ClinVar variation 2571054 (VCV002571054.27), dbSNP rs1599875550, ClinGen allele CA406996845.